The following is an entry in ClinVar:

NM_001360.3(DHCR7):c.696G>A (p.Trp232Ter)

Gene: DHCR7 (7-dehydrocholesterol reductase; minus strand). Cytogenetic location: 11q13.4.
Variant type: single nucleotide variant.
Coding change: c.696G>A on transcript NM_001360.3 (MANE Select); coding-DNA position 696, G replaced by A.
Protein change: p.Trp232Ter; replaces tryptophan 232 with a stop codon.
Molecular consequence: nonsense.
Genome position (GRCh38, 1-based): chr11:71,439,014, C>T on the plus strand (G>A on the coding strand, the complement: DHCR7 is on the minus strand). VCF-style: chr11-71439014-C-T. GRCh37 (hg19) VCF-style: chr11-71150060-C-T.
Other names: c.696G>A, p.Trp232Ter (NM_001163817.2); c.696G>A (NM_001360.2); short protein forms W232*.
Identifiers: ClinVar variation 813423 (VCV000813423.6), dbSNP rs1591109892, ClinGen allele CA381703470.
Genomic context (GRCh38, chr11:71,439,014, plus strand): 5'-GTTGATGAGGGTCCAGGCGACGATCCCGGGGCGCCCATTGAAGAACAGCTTGAAGTCAAA[C>T]CACTTCCCGATCCGAGGGTTAAACTCGATGCCCATCATGTAGTTGTAAAAGAAATTGCCT-3'

ClinVar aggregate classification (germline): Pathogenic/Likely pathogenic. Review status: criteria provided, multiple submitters, no conflicts (2 of 4 stars). 3 submissions from 3 submitters: Pathogenic (2); Likely pathogenic (1). Last evaluated 2025-10-27.

Conditions:
Smith-Lemli-Opitz syndrome (SLOS). Also called: 7-Dehydrocholesterol reductase deficiency; LETHAL ACRODYSGENITAL SYNDROME; POLYDACTYLY, SEX REVERSAL, RENAL HYPOPLASIA, AND UNILOBAR LUNG; RSH SYNDROME; RUTLEDGE LETHAL MULTIPLE CONGENITAL ANOMALY SYNDROME. Identifiers: Orphanet 818, MedGen C0175694, MONDO:0010035, OMIM 270400.

Submissions (3):

Natera, Inc.
Classification: Likely pathogenic for Smith-Lemli-Opitz syndrome. Last evaluated: 2025-10-27. Review status: criteria provided, single submitter. Criteria: Natera Variant Classification Schema (03/2026). Collection method: clinical testing. Allele origin: germline.
Comment: The c.696G>A variant in DHCR7 is a nonsense variant predicted to introduce a stop codon at amino acid 232. This variant is expected to result in nonsense mediated decay, truncation, or a dysfunctional protein product. This variant is rare in the general population with a frequency below the threshold expected for the associated phenotype(s). Given the available evidence, this variant is classified as Likely Pathogenic.

Labcorp Genetics (formerly Invitae), Labcorp
Classification: Pathogenic for Smith-Lemli-Opitz syndrome. Last evaluated: 2023-04-22. Review status: criteria provided, single submitter. Criteria: Invitae Variant Classification Sherloc (09022015). Collection method: clinical testing. Allele origin: germline.
Comment: For these reasons, this variant has been classified as Pathogenic. ClinVar contains an entry for this variant (Variation ID: 813423). This variant has not been reported in the literature in individuals affected with DHCR7-related conditions. This variant is not present in population databases (gnomAD no frequency). This sequence change creates a premature translational stop signal (p.Trp232*) in the DHCR7 gene. It is expected to result in an absent or disrupted protein product. Loss-of-function variants in DHCR7 are known to be pathogenic (PMID: 9634533, 10677299).

Baylor Genetics
Classification: Pathogenic for Smith-Lemli-Opitz syndrome. Review status: criteria provided, single submitter. Criteria: ACMG Guidelines, 2015. Collection method: clinical testing. Allele origin: germline.

Literature cited by the submitters: PubMed 9634533 (cited by Labcorp Genetics (formerly Invitae), Labcorp); PubMed 10677299 (cited by Labcorp Genetics (formerly Invitae), Labcorp).